The following is an entry in ClinVar:

NM_015335.5(MED13L):c.5990dup (p.Leu1997fs)

Gene: MED13L (mediator complex subunit 13L; minus strand). Cytogenetic location: 12q24.21.
Variant type: Duplication.
Coding change: c.5990dup on transcript NM_015335.5 (MANE Select); coding-DNA position 5990, one base duplicated (T; older notation c.5990dupT).
Protein change: p.Leu1997fs; shifts the reading frame from leucine 1997.
Molecular consequence: frameshift variant.
Genome position (GRCh38, 1-based): chr12:115,970,671, A duplicated on the plus strand (T on the coding strand, the reverse complement: MED13L is on the minus strand); the first of 2 consecutive A bases (chr12:115,970,671-115,970,672); duplicating either gives the same sequence. VCF-style (leftmost placement, unchanged base first): chr12-115970670-C-CA. GRCh37 (hg19) VCF-style: chr12-116408475-C-CA.
Other names: short protein forms L1997fs.
Identifiers: ClinVar variation 984811 (VCV000984811.4), dbSNP rs1876520009, ClinGen allele CA1139662895.
Genomic context (GRCh38, chr12:115,970,670, plus strand): 5'-CCCATCTTCATTGGGGTAGTTGGCTGGAGCCACCTGGATGGTTGATGATGTTGGGAACAC[C>CA]AAGATGTGTGTACAAGAAGCATCTTGAGGGGTGTTGAGCTGAGATGACTGCATGTTCAGT-3'

ClinVar aggregate classification (germline): Pathogenic. Review status: criteria provided, multiple submitters, no conflicts (2 of 4 stars). 2 submissions from 2 submitters: Pathogenic (2). Last evaluated 2024-01-01.

Conditions:
Dextro-looped transposition of the great arteries. Also called: Dextrotransposition of the great arteries. Identifiers: Orphanet 860, MedGen C3531771, MONDO:0019443, OMIM 608808, HP:0031348.
MED13L-related disorder. Also called: MED13L-related condition.
Cardiac anomalies - developmental delay - facial dysmorphism syndrome (MRFACD). Also called: Impaired intellectual development and distinctive facial features with or without cardiac defects; MED13L Syndrome. Identifiers: Orphanet 369891, MedGen C5192431, MONDO:0014773, OMIM 616789.

Submissions (2):

Daryl Scott Lab, Baylor College of Medicine
Classification: Pathogenic for MED13L-related disorder. Last evaluated: 2024-01-01. Review status: criteria provided, single submitter. Criteria: ACMG Guidelines, 2015. Collection method: clinical testing. Allele origin: de novo. Affected: yes. Observed: 1 heterozygote.
Comment: PVS1, PS2, PM2

Baylor Genetics
Classification: Pathogenic for Dextro-looped transposition of the great arteries. Last evaluated: 2018-02-21. Review status: criteria provided, single submitter. Criteria: ACMG Guidelines, 2015. Collection method: clinical testing. Allele origin: de novo. Affected: yes.
Comment: This variant was determined to be pathogenic according to ACMG Guidelines, 2015 [PMID:25741868].